The following is an entry in ClinVar:

NM_030665.4(RAI1):c.1082C>T (p.Ser361Leu)

Gene: RAI1 (retinoic acid induced 1; plus strand). Cytogenetic location: 17p11.2.
Variant type: single nucleotide variant.
Coding change: c.1082C>T on transcript NM_030665.4 (MANE Select); coding-DNA position 1082, C replaced by T.
Protein change: p.Ser361Leu; replaces serine 361 with leucine.
Molecular consequence: missense variant.
Genome position (GRCh38, 1-based): chr17:17,794,030, C>T. VCF-style: chr17-17794030-C-T. GRCh37 (hg19) VCF-style: chr17-17697344-C-T.
Other names: c.1082C>T (NM_030665.3); short protein forms S361L.
Identifiers: ClinVar variation 1174954 (VCV001174954.11), dbSNP rs1416345758, ClinGen allele CA398546851.
Genomic context (GRCh38, chr17:17,794,030, plus strand): 5'-GCTCCAGCCACTCACCCGCCCGCTCCGTGGGCCGCTCACCTTCCTACAGTTCCACACCGT[C>T]GCCGCTGATGCCAAACCTGGAGAACTTTCCCTACAGCCAGCAGCCGCTCAGCACCGGGGC-3'
Protein context (NP_109590.3, residues 351-371): GRSPSYSSTP[Ser361Leu]PLMPNLENFP

ClinVar aggregate classification (germline): Conflicting classifications of pathogenicity. Review status: criteria provided, conflicting classifications (1 of 4 stars). 5 submissions from 5 submitters: Uncertain significance (1); Likely benign (2). 2 of the submissions do not count toward it. Last evaluated 2026-08-19.

Conditions:
RAI1-related disorder. Also called: RAI1-related condition.
Inborn genetic diseases. Identifiers: MedGen C0950123, MeSH D030342.

Allele frequency attached by ClinVar (database versions not stated): gnomAD exomes 0.00001 and 0.00002; TOPMed 0.00001; gnomAD 0.00002 and 0.00003; 1000 Genomes Project 30x 0.00016.
gnomAD v4.1: 15 of 1,614,004 alleles (0.00093%); highest among the groups gnomAD compares: East Asian, 0.0045%; no homozygotes.

Submissions (5):

PreventionGenetics, part of Exact Sciences
Classification: Uncertain significance for RAI1-related condition. Last evaluated: 2026-08-19. Review status: criteria provided, single submitter. Criteria: ACMG Guidelines, 2015. Collection method: clinical testing. Allele origin: germline.
Comment: The RAI1 c.1082C>T variant is predicted to result in the amino acid substitution p.Ser361Leu. To our knowledge, this variant has not been reported in the literature. This variant is reported in 0.0050% of alleles in individuals of East Asian descent in gnomAD, which is more common than expected for a disease-causing variant. Although we suspect that this variant may be benign, at this time, the clinical significance is uncertain due to the absence of conclusive functional and genetic evidence.

Labcorp Genetics (formerly Invitae), Labcorp
Classification: Likely benign. Last evaluated: 2022-08-15. Review status: criteria provided, single submitter. Criteria: Invitae Variant Classification Sherloc (09022015). Collection method: clinical testing. Allele origin: germline.

Ambry Genetics
Classification: Likely benign for Inborn genetic diseases. Last evaluated: 2021-11-30. Review status: criteria provided, single submitter. Criteria: Ambry Variant Classification Scheme 2023. Collection method: clinical testing. Allele origin: germline.

Clinical Genetics DNA and cytogenetics Diagnostics Lab, Erasmus MC, Erasmus Medical Center
Classification: Likely benign. Review status: no assertion criteria provided. Collection method: clinical testing. Allele origin: germline. Affected: yes. Study: VKGL Data-share Consensus. Not counted in ClinVar's aggregate classification.

Diagnostic Laboratory, Department of Genetics, University Medical Center Groningen
Classification: Likely benign. Review status: no assertion criteria provided. Collection method: clinical testing. Allele origin: germline. Affected: yes. Study: VKGL Data-share Consensus. Not counted in ClinVar's aggregate classification.